The following is an entry in ClinVar:

ClinVar aggregate classification (germline): Uncertain significance (1 of 4 stars; one submission).

Conditions:
Cardiovascular phenotype. Identifiers: MedGen CN230736.

Submission:

Ambry Genetics
Classification: Uncertain significance for Cardiovascular phenotype. Last evaluated: 2025-05-19. Review status: criteria provided, single submitter. Criteria: Ambry Variant Classification Scheme 2023. Collection method: clinical testing. Allele origin: germline.
Comment: The p.D466V variant (also known as c.1397A>T), located in coding exon 4 of the BAG3 gene, results from an A to T substitution at nucleotide position 1397. The aspartic acid at codon 466 is replaced by valine, an amino acid with highly dissimilar properties. This amino acid position is conserved. In addition, this alteration is predicted to be deleterious by in silico analysis. Since supporting evidence is limited at this time, the clinical significance of this alteration remains unclear.

NM_004281.4(BAG3):c.1397A>T (p.Asp466Val)

Gene: BAG3 (BAG cochaperone 3; plus strand). Cytogenetic location: 10q26.11.
Variant type: single nucleotide variant.
Coding change: c.1397A>T on transcript NM_004281.4 (MANE Select); coding-DNA position 1397, A replaced by T.
Protein change: p.Asp466Val; replaces aspartic acid 466 with valine.
Molecular consequence: missense variant.
Genome position (GRCh38, 1-based): chr10:119,676,951, A>T. VCF-style: chr10-119676951-A-T. GRCh37 (hg19) VCF-style: chr10-121436463-A-T.
Other names: short protein forms D466V.
Identifiers: ClinVar variation 2567315 (VCV002567315.3), dbSNP rs2494023959, ClinGen allele CA378297239.